The following is an entry in ClinVar:

ClinVar aggregate classification (germline): Uncertain significance. Review status: criteria provided, multiple submitters, no conflicts (2 of 4 stars). 2 submissions from 2 submitters: Uncertain significance (2). Last evaluated 2025-10-02.

Conditions:
Brody myopathy. Also called: BRODY DISEASE. Identifiers: Orphanet 53347, MedGen C1832918, MONDO:0010977, OMIM 601003.

Allele frequency attached by ClinVar (database versions not stated): ExAC 0.00002; gnomAD 0.00002 and 0.00003; gnomAD exomes 0.00002 and 0.00004; 1000 Genomes Project 30x 0.00016; 1000 Genomes Project 0.00020.
gnomAD v4.1: 61 of 1,614,238 alleles (0.0038%); highest among the groups gnomAD compares: Non-Finnish European, 0.0045%; no homozygotes.

Submissions (2):

Labcorp Genetics (formerly Invitae), Labcorp
Classification: Uncertain significance for Brody myopathy. Last evaluated: 2025-10-02. Review status: criteria provided, single submitter. Criteria: Invitae Variant Classification Sherloc (09022015). Collection method: clinical testing. Allele origin: germline.
Comment: This sequence change replaces arginine, which is basic and polar, with histidine, which is basic and polar, at codon 524 of the ATP2A1 protein (p.Arg524His). This variant is present in population databases (rs140944847, gnomAD 0.004%). This variant has not been reported in the literature in individuals affected with ATP2A1-related conditions. ClinVar contains an entry for this variant (Variation ID: 1024860). An algorithm developed to predict the effect of missense changes on protein structure and function (PolyPhen-2) suggests that this variant is likely to be disruptive. In summary, the available evidence is currently insufficient to determine the role of this variant in disease. Therefore, it has been classified as a Variant of Uncertain Significance.

Breakthrough Genomics
Classification: Uncertain significance. Review status: criteria provided, single submitter. Criteria: ACMG Guidelines, 2015. Collection method: not provided. Allele origin: germline. Inheritance: Autosomal recessive inheritance. Affected: yes.

NM_004320.6(ATP2A1):c.1571G>A (p.Arg524His)

Gene: ATP2A1 (ATPase sarcoplasmic/endoplasmic reticulum Ca2+ transporting 1; plus strand). Cytogenetic location: 16p11.2.
Variant type: single nucleotide variant.
Coding change: c.1571G>A on transcript NM_004320.6 (MANE Select); coding-DNA position 1571, G replaced by A.
Protein change: p.Arg524His; replaces arginine 524 with histidine.
Molecular consequence: missense variant.
Genome position (GRCh38, 1-based): chr16:28,898,258, G>A. VCF-style: chr16-28898258-G-A. GRCh37 (hg19) VCF-style: chr16-28909579-G-A.
Other names: c.1196G>A, p.Arg399His (NM_001286075.2); c.1571G>A, p.Arg524His (NM_173201.5); short protein forms R399H, R524H.
Identifiers: ClinVar variation 1024860 (VCV001024860.10), dbSNP rs140944847, ClinGen allele CA7987024.